The following is an entry in ClinVar:

ClinVar aggregate classification (germline): Uncertain significance (1 of 4 stars; one submission).

Submission:

CeGaT Center for Human Genetics Tuebingen
Classification: Uncertain significance. Last evaluated: 2025-01-01. Review status: criteria provided, single submitter. Criteria: CeGaT Center For Human Genetics Tuebingen Variant Classification Criteria Version 2. Collection method: clinical testing. Allele origin: germline. Affected: yes. Observed: 1 variant allele.
Comment: HSPD1: PM2

NM_002156.5(HSPD1):c.5T>A (p.Leu2His)

Gene: HSPD1 (heat shock protein family D (Hsp60) member 1; minus strand). Cytogenetic location: 2q33.1.
Variant type: single nucleotide variant.
Coding change: c.5T>A on transcript NM_002156.5 (MANE Select); coding-DNA position 5, T replaced by A.
Protein change: p.Leu2His; replaces leucine 2 with histidine.
Molecular consequence: missense variant.
Genome position (GRCh38, 1-based): chr2:197,498,844, A>T on the plus strand (T>A on the coding strand, the complement: HSPD1 is on the minus strand). VCF-style: chr2-197498844-A-T. GRCh37 (hg19) VCF-style: chr2-198363568-A-T.
Other names: c.5T>A, p.Leu2His (NM_199440.2); short protein forms L2H.
Identifiers: ClinVar variation 3772350 (VCV003772350.13).